The following is an entry in ClinVar:

ClinVar aggregate classification (germline): Likely benign (1 of 4 stars; one submission).

Allele frequency attached by ClinVar (database versions not stated): 1000 Genomes Project 0.00759; gnomAD 0.00886; 1000 Genomes Project 30x 0.00859; TOPMed 0.00902.
gnomAD v4.1: 1,220 of 152,094 alleles (0.8%); highest among the groups gnomAD compares: African/African-American, 2.8%; 14 homozygotes.

Submission:

GeneDx
Classification: Likely benign. Last evaluated: 2018-06-14. Review status: criteria provided, single submitter. Criteria: GeneDx Variant Classification (06012015). Collection method: clinical testing. Allele origin: germline. Affected: yes.
Comment: This variant is considered likely benign or benign based on one or more of the following criteria: it is a conservative change, it occurs at a poorly conserved position in the protein, it is predicted to be benign by multiple in silico algorithms, and/or has population frequency not consistent with disease.

NM_001101426.4(CRPPA):c.1251+252G>A

Genes: CRPPA-AS1 (CRPPA antisense RNA 1; plus strand), CRPPA (CDP-L-ribitol pyrophosphorylase A; minus strand). Cytogenetic location: 7p21.2.
Variant type: single nucleotide variant.
Coding change: c.1251+252G>A on transcript NM_001101426.4 (MANE Select); 252 bases into the intron after coding-DNA position 1251, G replaced by A.
Molecular consequence: intron variant.
Genome position (GRCh38, 1-based): chr7:16,215,814, C>T on the plus strand (G>A on the coding strand, the complement: CRPPA is on the minus strand). VCF-style: chr7-16215814-C-T. GRCh37 (hg19) VCF-style: chr7-16255439-C-T.
Other names: c.1101+252G>A (NM_001101417.4); c.1146+252G>A (NM_001368197.1).
Identifiers: ClinVar variation 672639 (VCV000672639.1), dbSNP rs28617534, ClinGen allele CA154740326.